The following is an entry in ClinVar:

NM_001376.5(DYNC1H1):c.8570del (p.His2857fs)

Gene: DYNC1H1 (dynein cytoplasmic 1 heavy chain 1; plus strand). Cytogenetic location: 14q32.31.
Variant type: Deletion.
Coding change: c.8570del on transcript NM_001376.5 (MANE Select); coding-DNA position 8570, one base deleted (A; older notation c.8570delA).
Protein change: p.His2857fs; shifts the reading frame from histidine 2857.
Molecular consequence: frameshift variant.
Genome position (GRCh38, 1-based): chr14:102,022,813, A deleted. VCF-style (leftmost placement, unchanged base first): chr14-102022812-CA-C. GRCh37 (hg19) VCF-style: chr14-102489149-CA-C.
Other names: short protein forms H2857fs.
Identifiers: ClinVar variation 2026462 (VCV002026462.4), dbSNP rs2503789609, ClinGen allele CA2580088422.
Genomic context (GRCh38, chr14:102,022,812, plus strand): 5'-CTCGTAGAGGATGAGGAGAGGCGTTGGACTGATGAGAACATCGACACGGTTGCTCTGAAG[CA>C]CTTCCCTAACATCGACAGAGAGAAGGCAATGAGCCGACCCATCTTGTACAGCAACTGGCT-3'

ClinVar aggregate classification (germline): Uncertain significance (1 of 4 stars; one submission).

Conditions:
Charcot-Marie-Tooth disease axonal type 2O. Also called: CHARCOT-MARIE-TOOTH NEUROPATHY, AXONAL, TYPE 2O; CHARCOT-MARIE-TOOTH DISEASE, AXONAL, AUTOSOMAL DOMINANT, TYPE 2O; Charcot-Marie-Tooth Neuropathy Type 2O; Charcot-Marie-Tooth disease, axonal, type 20. Identifiers: Orphanet 284232, MedGen C3280220, MONDO:0013644, OMIM 614228.

Submission:

Labcorp Genetics (formerly Invitae), Labcorp
Classification: Uncertain significance for Charcot-Marie-Tooth disease axonal type 2O. Last evaluated: 2022-09-25. Review status: criteria provided, single submitter. Criteria: Invitae Variant Classification Sherloc (09022015). Collection method: clinical testing. Allele origin: germline.
Comment: This sequence change creates a premature translational stop signal (p.His2857Profs*11) in the DYNC1H1 gene. It is expected to result in an absent or disrupted protein product. However, the current clinical and genetic evidence is not sufficient to establish whether loss-of-function variants in DYNC1H1 cause disease. This variant is not present in population databases (gnomAD no frequency). This variant has not been reported in the literature in individuals affected with DYNC1H1-related conditions. In summary, the available evidence is currently insufficient to determine the role of this variant in disease. Therefore, it has been classified as a Variant of Uncertain Significance.